The following is an entry in ClinVar:

ClinVar aggregate classification (germline): Conflicting classifications of pathogenicity. Review status: criteria provided, conflicting classifications (1 of 4 stars). 6 submissions from 6 submitters: Likely pathogenic (2); Uncertain significance (4). Last evaluated 2025-12-03.

Conditions:
Hennekam lymphangiectasia-lymphedema syndrome 1 (HKLLS1). Also called: LYMPHATIC DYSPLASIA, GENERALIZED. Identifiers: Orphanet 2136, MedGen C4012050, MONDO:0009337, OMIM 235510.
Inborn genetic diseases. Identifiers: MedGen C0950123, MeSH D030342.

Allele frequency attached by ClinVar (database versions not stated): TOPMed 0.00003; gnomAD 0.00004; ExAC 0.00007; gnomAD exomes 0.00008; ESP Exome Variant Server 0.00015.
gnomAD v4.1: 115 of 1,614,150 alleles (0.0071%); highest among the groups gnomAD compares: Non-Finnish European, 0.0057%; no homozygotes.

Submissions (6):

Labcorp Genetics (formerly Invitae), Labcorp
Classification: Likely pathogenic. Last evaluated: 2025-12-03. Review status: criteria provided, single submitter. Criteria: Invitae Variant Classification Sherloc (09022015). Collection method: clinical testing. Allele origin: germline.
Comment: This sequence change affects an acceptor splice site in intron 8 of the CCBE1 gene. It is expected to disrupt RNA splicing. Variants that disrupt the donor or acceptor splice site typically lead to a loss of protein function (PMID: 16199547), and loss-of-function variants in CCBE1 are known to be pathogenic (PMID: 19935664, 21778431, 26686525). This variant is present in population databases (rs367990953, gnomAD 0.2%). This variant has not been reported in the literature in individuals affected with CCBE1-related conditions. ClinVar contains an entry for this variant (Variation ID: 631807). Algorithms developed to predict the effect of sequence changes on RNA splicing suggest that this variant may disrupt the consensus splice site. In summary, the currently available evidence indicates that the variant is pathogenic, but additional data are needed to prove that conclusively. Therefore, this variant has been classified as Likely Pathogenic.

Women's Health and Genetics/Laboratory Corporation of America, LabCorp
Classification: Uncertain significance. Last evaluated: 2025-11-28. Review status: criteria provided, single submitter. Criteria: LabCorp Variant Classification Summary - May 2015. Collection method: clinical testing. Allele origin: germline.
Comment: Variant summary: CCBE1 c.916-2A>G is located in a canonical splice-site and is predicted to affect mRNA splicing resulting in a significantly altered protein due to either exon skipping, shortening, or inclusion of intronic material. Variants that disrupt the consensus splice site are a relatively common cause of aberrant splicing. Several computational tools predict a significant impact on normal splicing: five predict the variant abolishes a 3' acceptor site. The disruption of this canonical splice site might result in an in-frame skipping of exon 9 (or exon 9 and 10 together), resulting in the deletion of 12 (or 24) amino acids which would affect a collagen-like domain located in this region (amino acids 300-333; UniProt), or a C-terminally truncated protein. However, these predictions have yet to be confirmed by functional studies. The variant allele was found at a frequency of 7.2e-05 in 1607154 control chromosomes, predominantly at a frequency of 0.0015 within the Ashkenazi Jewish subpopulation in the gnomAD database. The observed variant frequency within Ashkenazi Jewish control individuals in the gnomAD database exceeds the estimated maximal expected allele frequency for disease-causing variants in CCBE1. To our knowledge, no occurrence of c.916-2A>G in individuals affected with CCBE1-related conditions and no experimental evidence demonstrating its impact on protein function have been reported. ClinVar contains an entry for this variant (Variation ID: 631807). Based on the evidence outlined above, the variant was classified as VUS-possibly pathogenic.

Blueprint Genetics
Classification: Uncertain significance. Last evaluated: 2024-09-18. Review status: criteria provided, single submitter. Criteria: ACMG Guidelines, 2015. Collection method: clinical testing. Allele origin: germline.

Department of Pathology and Laboratory Medicine, Sinai Health System
Classification: Likely pathogenic for Hennekam lymphangiectasia-lymphedema syndrome 1. Last evaluated: 2023-02-16. Review status: criteria provided, single submitter. Criteria: ACMG Guidelines, 2015. Collection method: research. Allele origin: germline.

Ambry Genetics
Classification: Uncertain significance for Inborn genetic diseases. Last evaluated: 2021-12-08. Review status: criteria provided, single submitter. Criteria: Ambry Variant Classification Scheme 2023. Collection method: clinical testing. Allele origin: germline.
Comment: The c.916-2A>G intronic alteration consists of a A to G substitution 2 nucleotides before coding exon 9 in the CCBE1 gene. Based on insufficient or conflicting evidence, the clinical significance of this alteration remains unclear.

GeneDx
Classification: Uncertain significance. Last evaluated: 2021-08-17. Review status: criteria provided, single submitter. Criteria: GeneDx Variant Classification Process June 2021. Collection method: clinical testing. Allele origin: germline. Affected: yes.
Comment: Canonical splice site variant in a gene for which loss-of-function is not a known mechanism of disease; Has not been previously published as pathogenic or benign to our knowledge

Literature cited by the submitters: PubMed 16199547 (cited by Labcorp Genetics (formerly Invitae), Labcorp); PubMed 19935664 (cited by Labcorp Genetics (formerly Invitae), Labcorp); PubMed 21778431 (cited by Labcorp Genetics (formerly Invitae), Labcorp); PubMed 26686525 (cited by Labcorp Genetics (formerly Invitae), Labcorp).

NM_133459.4(CCBE1):c.916-2A>G

Gene: CCBE1 (collagen and calcium binding EGF domains 1; minus strand). Cytogenetic location: 18q21.32.
Variant type: single nucleotide variant.
Coding change: c.916-2A>G on transcript NM_133459.4 (MANE Select); the canonical splice acceptor site of the intron before coding-DNA position 916, A replaced by G.
Molecular consequence: splice acceptor variant.
Genome position (GRCh38, 1-based): chr18:59,439,580, T>C on the plus strand (A>G on the coding strand, the complement: CCBE1 is on the minus strand). VCF-style: chr18-59439580-T-C. GRCh37 (hg19) VCF-style: chr18-57106812-T-C.
Identifiers: ClinVar variation 631807 (VCV000631807.16), dbSNP rs367990953, ClinGen allele CA8980271.
Genomic context (GRCh38, chr18:59,439,580, plus strand): 5'-TGAGGACCACTCATAAGGCTTACCTTAGAACCATCTCTTCCTGGTGCCCCTGGTGGACCC[T>C]GTAATACAAAAGGATCTGGTTTAACCACAGGCAAAAGCATGGGACAAAAACACATTTTCC-3'